The following is an entry in ClinVar:

ClinVar aggregate classification (germline): Uncertain significance (1 of 4 stars; one submission).

Allele frequency attached by ClinVar (database versions not stated): gnomAD exomes below 0.00001.
gnomAD v4.1: 2 of 1,614,168 alleles (0.00012%); highest among the groups gnomAD compares: Non-Finnish European, 0.000085%; no homozygotes.

Submission:

Labcorp Genetics (formerly Invitae), Labcorp
Classification: Uncertain significance. Last evaluated: 2022-04-19. Review status: criteria provided, single submitter. Criteria: Invitae Variant Classification Sherloc (09022015). Collection method: clinical testing. Allele origin: germline.
Comment: In summary, the available evidence is currently insufficient to determine the role of this variant in disease. Therefore, it has been classified as a Variant of Uncertain Significance. Advanced modeling of protein sequence and biophysical properties (such as structural, functional, and spatial information, amino acid conservation, physicochemical variation, residue mobility, and thermodynamic stability) performed at Invitae indicates that this missense variant is not expected to disrupt LRP2 protein function. This variant has not been reported in the literature in individuals affected with LRP2-related conditions. This variant is present in population databases (no rsID available, gnomAD 0.004%). This sequence change replaces isoleucine, which is neutral and non-polar, with methionine, which is neutral and non-polar, at codon 2291 of the LRP2 protein (p.Ile2291Met).

NM_004525.3(LRP2):c.6873A>G (p.Ile2291Met)

Gene: LRP2 (LDL receptor related protein 2; minus strand). Cytogenetic location: 2q31.1.
Variant type: single nucleotide variant.
Coding change: c.6873A>G on transcript NM_004525.3 (MANE Select); coding-DNA position 6873, A replaced by G.
Protein change: p.Ile2291Met; replaces isoleucine 2291 with methionine.
Molecular consequence: missense variant.
Genome position (GRCh38, 1-based): chr2:169,206,847, T>C on the plus strand (A>G on the coding strand, the complement: LRP2 is on the minus strand). VCF-style: chr2-169206847-T-C. GRCh37 (hg19) VCF-style: chr2-170063357-T-C.
Other names: short protein forms I2291M.
Identifiers: ClinVar variation 1909005 (VCV001909005.5), dbSNP rs368022337, ClinGen allele CA349172135.
Genomic context (GRCh38, chr2:169,206,847, plus strand): 5'-CTCTGTGTTCTCTGGTTCCTTGCTGGCTTGGAAGATCTTTTTCAAATTCCTATCTACCCA[T>C]ATGATAGAATTTTCAAAAACAGTGATGCCATAAGGAGTTGGGTAACGACTGCCATAACGA-3'
Protein context (NP_004516.2, residues 2281-2301): YGITVFENSI[Ile2291Met]WVDRNLKKIF